The following is an entry in ClinVar:

ClinVar aggregate classification (germline): Uncertain significance. Review status: criteria provided, multiple submitters, no conflicts (2 of 4 stars). 3 submissions from 3 submitters: Uncertain significance (3). Last evaluated 2025-05-28.

Allele frequency attached by ClinVar (database versions not stated): gnomAD exomes below 0.00001; ExAC 0.00001; gnomAD 0.00001.
gnomAD v4.1: 5 of 1,613,386 alleles (0.00031%); highest among the groups gnomAD compares: Non-Finnish European, 0.00025%; no homozygotes.

Submissions (3):

Dasa
Classification: Uncertain significance. Last evaluated: 2025-05-28. Review status: criteria provided, single submitter. Criteria: DASA Assertion Criteria. Collection method: clinical testing. Allele origin: germline.
Comment: NM_032380.5(GFM2):c.1258C>T (p.Gln420*) is a nonsense variant in GFM2 predicted to introduce a premature termination codon. This variant is rare in population databases. The currently available literature and clinical evidence are not sufficient to establish a definitive association between this variant and the reported condition. Therefore, this variant is classified as a variant of uncertain significance.

Labcorp Genetics (formerly Invitae), Labcorp
Classification: Uncertain significance. Last evaluated: 2024-10-16. Review status: criteria provided, single submitter. Criteria: Invitae Variant Classification Sherloc (09022015). Collection method: clinical testing. Allele origin: germline.
Comment: This sequence change creates a premature translational stop signal (p.Gln420*) in the GFM2 gene. It is expected to result in an absent or disrupted protein product. However, the current clinical and genetic evidence is not sufficient to establish whether loss-of-function variants in GFM2 cause disease. This variant is present in population databases (rs761036917, gnomAD 0.0008%). This variant has not been reported in the literature in individuals affected with GFM2-related conditions. ClinVar contains an entry for this variant (Variation ID: 2056908). In summary, the available evidence is currently insufficient to determine the role of this variant in disease. Therefore, it has been classified as a Variant of Uncertain Significance.

Blueprint Genetics
Classification: Uncertain significance. Last evaluated: 2024-03-26. Review status: criteria provided, single submitter. Criteria: ACMG Guidelines, 2015. Collection method: clinical testing. Allele origin: germline.

NM_032380.5(GFM2):c.1258C>T (p.Gln420Ter)

Gene: GFM2 (GTP dependent ribosome recycling factor mitochondrial 2; minus strand). Cytogenetic location: 5q13.3.
Variant type: single nucleotide variant.
Coding change: c.1258C>T on transcript NM_032380.5 (MANE Select); coding-DNA position 1258, C replaced by T.
Protein change: p.Gln420Ter; replaces glutamine 420 with a stop codon.
Molecular consequence: nonsense. On other transcripts: non-coding transcript variant (1).
Genome position (GRCh38, 1-based): chr5:74,738,380, G>A on the plus strand (C>T on the coding strand, the complement: GFM2 is on the minus strand). VCF-style: chr5-74738380-G-A. GRCh37 (hg19) VCF-style: chr5-74034205-G-A.
Other names: c.1354C>T, p.Gln452Ter (NM_001281302.2); c.1258C>T, p.Gln420Ter (NM_170681.3); c.1117C>T, p.Gln373Ter (NM_170691.3); short protein forms Q452*, Q373*, Q420*.
Identifiers: ClinVar variation 2056908 (VCV002056908.7), dbSNP rs761036917, ClinGen allele CA3306573.